The following is an entry in ClinVar:

NM_004329.3(BMPR1A):c.957C>T (p.Asp319=)

Gene: BMPR1A (bone morphogenetic protein receptor type 1A; plus strand). Cytogenetic location: 10q23.2.
Variant type: single nucleotide variant.
Coding change: c.957C>T on transcript NM_004329.3 (MANE Select); coding-DNA position 957, C replaced by T.
Protein change: p.Asp319=; no amino-acid change (aspartic acid 319 retained).
Molecular consequence: synonymous variant. On other transcripts: non-coding transcript variant (3).
Genome position (GRCh38, 1-based): chr10:86,919,260, C>T. VCF-style: chr10-86919260-C-T. GRCh37 (hg19) VCF-style: chr10-88679017-C-T.
Other names: c.1032C>T, p.Asp344= (NM_001406559.1); c.1005C>T, p.Asp335= (NM_001406560.1); c.957C>T, p.Asp319= (NM_001406561.1, NM_001406562.1, NM_001406563.1 and 19 more transcripts); c.951C>T, p.Asp317= (NM_001406583.1); c.873C>T, p.Asp291= (NM_001406584.1, NM_001406585.1, NM_001406586.1 and 2 more transcripts); c.615C>T, p.Asp205= (NM_001406589.1).
Identifiers: ClinVar variation 2626635 (VCV002626635.3), dbSNP rs2133590573, ClinGen allele CA470372814.
Genomic context (GRCh38, chr10:86,919,260, plus strand): 5'-AGGTTCCTGGACTCAGCTCTATTTGATTACTGATTACCATGAAAATGGATCTCTCTATGA[C>T]TTCCTGAAATGTGCTACACTGGACACCAGAGCCCTGCTTAAATTGGCTTATTCAGCTGCC-3'
Protein context (NP_004320.2, residues 309-329): TDYHENGSLY[Asp319=]FLKCATLDTR

ClinVar aggregate classification (germline): Benign/Likely benign. Review status: criteria provided, multiple submitters, no conflicts (2 of 4 stars). 2 submissions from 2 submitters: Benign (1); Likely benign (1). Last evaluated 2024-08-05.

Conditions:
Juvenile polyposis syndrome (JPS). Identifiers: Orphanet 2929, MedGen C0345893, MONDO:0017380, OMIM 174900.
Hereditary cancer-predisposing syndrome. Also called: Tumor predisposition; Neoplastic Syndromes, Hereditary; Hereditary Cancer Syndrome; Hereditary neoplastic syndrome. Identifiers: Orphanet 140162, MedGen C0027672, MeSH D009386, MONDO:0015356.

gnomAD v4.1: 1 of 1,613,952 alleles (0.000062%); highest among the groups gnomAD compares: Non-Finnish European, 0.000085%; no homozygotes.

Submissions (2):

Myriad Genetics, Inc.
Classification: Benign for Juvenile polyposis syndrome. Last evaluated: 2024-08-05. Review status: criteria provided, single submitter. Criteria: Myriad Autosomal Dominant, Autosomal Recessive and X-Linked Classification Criteria (2023). Collection method: clinical testing. Allele origin: unknown.
Comment: This variant is considered benign. This variant is a silent/synonymous amino acid change and it is not expected to impact splicing.

Ambry Genetics
Classification: Likely benign for Hereditary cancer-predisposing syndrome. Last evaluated: 2023-08-27. Review status: criteria provided, single submitter. Criteria: Ambry Variant Classification Scheme 2023. Collection method: clinical testing. Allele origin: germline.